The following is an entry in ClinVar:

NM_001173990.3(TMEM216):c.360dup (p.Asn121fs)

Gene: TMEM216 (transmembrane protein 216; plus strand). Cytogenetic location: 11q12.2.
Variant type: Duplication.
Coding change: c.360dup on transcript NM_001173990.3 (MANE Select); coding-DNA position 360, one base duplicated (G; older notation c.360dupG).
Protein change: p.Asn121fs; shifts the reading frame from asparagine 121.
Molecular consequence: frameshift variant.
Genome position (GRCh38, 1-based): chr11:61,397,904, G duplicated. VCF-style (leftmost placement, unchanged base first): chr11-61397903-T-TG. GRCh37 (hg19) VCF-style: chr11-61165375-T-TG.
Other names: c.360dup, p.Asn121fs (NM_001173991.3); c.177dup, p.Asn60fs (NM_001330285.2, NM_016499.6); short protein forms N121fs, N60fs.
Identifiers: ClinVar variation 2086704 (VCV002086704.4), dbSNP rs2539896690, ClinGen allele CA2580084804.

ClinVar aggregate classification (germline): Pathogenic (1 of 4 stars; one submission).

Conditions:
Joubert syndrome. Also called: CEREBELLOPARENCHYMAL DISORDER IV; JOUBERT-BOLTSHAUSER SYNDROME; Familial aplasia of the vermis. Identifiers: Orphanet 475, MedGen C5979921, MONDO:0018772.

Submission:

Labcorp Genetics (formerly Invitae), Labcorp
Classification: Pathogenic for Joubert syndrome. Last evaluated: 2022-01-18. Review status: criteria provided, single submitter. Criteria: Invitae Variant Classification Sherloc (09022015). Collection method: clinical testing. Allele origin: germline.
Comment: This sequence change creates a premature translational stop signal (p.Asn121Glufs*15) in the TMEM216 gene. While this is not anticipated to result in nonsense mediated decay, it is expected to disrupt the last 25 amino acid(s) of the TMEM216 protein. This variant disrupts a region of the TMEM216 protein in which other variant(s) (p.Leu133*) have been determined to be pathogenic (PMID: 20512146, 26092869). This suggests that this is a clinically significant region of the protein, and that variants that disrupt it are likely to be disease-causing. This variant has not been reported in the literature in individuals affected with TMEM216-related conditions. For these reasons, this variant has been classified as Pathogenic. This variant is not present in population databases (gnomAD no frequency).

Literature cited by the submitters: PubMed 20512146; PubMed 26092869.